The following is an entry in ClinVar:

NM_001206927.2(DNAH8):c.10102G>C (p.Ala3368Pro)

Genes: DNAH8 (dynein axonemal heavy chain 8; plus strand), DNAH8-AS1 (DNAH8 antisense RNA 1; minus strand). Cytogenetic location: 6p21.2.
Variant type: single nucleotide variant.
Coding change: c.10102G>C on transcript NM_001206927.2 (MANE Select); coding-DNA position 10102, G replaced by C.
Protein change: p.Ala3368Pro; replaces alanine 3368 with proline.
Molecular consequence: missense variant.
Genome position (GRCh38, 1-based): chr6:38,915,339, G>C. VCF-style: chr6-38915339-G-C. GRCh37 (hg19) VCF-style: chr6-38883115-G-C.
Other names: c.9451G>C, p.Ala3151Pro (NM_001371.4); short protein forms A3151P, A3368P.
Identifiers: ClinVar variation 2064876 (VCV002064876.1), dbSNP rs1287947453, ClinGen allele CA364006445.

ClinVar aggregate classification (germline): Uncertain significance (1 of 4 stars; one submission).

Conditions:
Primary ciliary dyskinesia. Also called: Ciliary dyskinesia. Identifiers: Orphanet 244, MedGen C0008780, MONDO:0016575, HP:0012265.

Allele frequency attached by ClinVar (database versions not stated): TOPMed below 0.00001; gnomAD 0.00001; gnomAD exomes 0.00001.
gnomAD v4.1: 4 of 1,607,002 alleles (0.00025%); highest among the groups gnomAD compares: Middle Eastern, 0.033%; no homozygotes.

Submission:

Labcorp Genetics (formerly Invitae), Labcorp
Classification: Uncertain significance for Primary ciliary dyskinesia. Last evaluated: 2022-07-16. Review status: criteria provided, single submitter. Criteria: Invitae Variant Classification Sherloc (09022015). Collection method: clinical testing. Allele origin: germline.
Comment: This sequence change replaces alanine, which is neutral and non-polar, with proline, which is neutral and non-polar, at codon 3368 of the DNAH8 protein (p.Ala3368Pro). This variant is present in population databases (no rsID available, gnomAD 0.0009%). This variant has not been reported in the literature in individuals affected with DNAH8-related conditions. Algorithms developed to predict the effect of missense changes on protein structure and function are either unavailable or do not agree on the potential impact of this missense change (SIFT: "Deleterious"; PolyPhen-2: "Not Available"; Align-GVGD: "Class C0"). In summary, the available evidence is currently insufficient to determine the role of this variant in disease. Therefore, it has been classified as a Variant of Uncertain Significance.